The following is an entry in ClinVar:

ClinVar aggregate classification (germline): Likely benign (0 of 4 stars; one submission).

Conditions:
PLXNA4-related disorder. Also called: PLXNA4-related condition.

gnomAD v4.1: 47 of 1,612,576 alleles (0.0029%); highest among the groups gnomAD compares: East Asian, 0.031%; no homozygotes.

Submission:

PreventionGenetics, part of Exact Sciences
Classification: Likely benign for PLXNA4-related condition. Last evaluated: 2021-07-01. Review status: no assertion criteria provided. Collection method: clinical testing. Allele origin: germline.
Comment: This variant is classified as likely benign based on ACMG/AMP sequence variant interpretation guidelines (Richards et al. 2015 PMID: 25741868, with internal and published modifications).

NM_020911.2(PLXNA4):c.2742C>T (p.Ile914=)

Gene: PLXNA4 (plexin A4; minus strand). Cytogenetic location: 7q32.3.
Variant type: single nucleotide variant.
Coding change: c.2742C>T on transcript NM_020911.2 (MANE Select); coding-DNA position 2742, C replaced by T.
Protein change: p.Ile914=; no amino-acid change (isoleucine 914 retained).
Molecular consequence: synonymous variant.
Genome position (GRCh38, 1-based): chr7:132,194,176, G>A on the plus strand (C>T on the coding strand, the complement: PLXNA4 is on the minus strand). VCF-style: chr7-132194176-G-A. GRCh37 (hg19) VCF-style: chr7-131878935-G-A.
Other names: c.2742C>T, p.Ile914= (NM_001393897.1).
Identifiers: ClinVar variation 3351763 (VCV003351763.1).